The following is an entry in ClinVar:

NM_024989.4(PGAP1):c.2582C>T (p.Pro861Leu)

Gene: PGAP1 (post-GPI attachment to proteins inositol deacylase 1; minus strand). Cytogenetic location: 2q33.1.
Variant type: single nucleotide variant.
Coding change: c.2582C>T on transcript NM_024989.4 (MANE Select); coding-DNA position 2582, C replaced by T.
Protein change: p.Pro861Leu; replaces proline 861 with leucine.
Molecular consequence: missense variant.
Genome position (GRCh38, 1-based): chr2:196,842,769, G>A on the plus strand (C>T on the coding strand, the complement: PGAP1 is on the minus strand). VCF-style: chr2-196842769-G-A. GRCh37 (hg19) VCF-style: chr2-197707493-G-A.
Other names: c.2060C>T, p.Pro687Leu (NM_001321099.2); c.1415C>T, p.Pro472Leu (NM_001321100.2); short protein forms P472L, P687L, P861L.
Identifiers: ClinVar variation 3359526 (VCV003359526.2).

ClinVar aggregate classification (germline): Uncertain significance. Review status: criteria provided, multiple submitters, no conflicts (2 of 4 stars). 2 submissions from 2 submitters: Uncertain significance (2). Last evaluated 2025-05-29.

Conditions:
Inborn genetic diseases. Identifiers: MedGen C0950123, MeSH D030342.

gnomAD v4.1: 66 of 1,584,742 alleles (0.0042%); highest among the groups gnomAD compares: Non-Finnish European, 0.0054%; no homozygotes.

Submissions (2):

Ambry Genetics
Classification: Uncertain significance for Inborn genetic diseases. Last evaluated: 2025-05-29. Review status: criteria provided, single submitter. Criteria: Ambry Variant Classification Scheme 2023. Collection method: clinical testing. Allele origin: germline.

GeneDx
Classification: Uncertain significance. Last evaluated: 2023-06-20. Review status: criteria provided, single submitter. Criteria: GeneDx Variant Classification Process June 2021. Collection method: clinical testing. Allele origin: germline. Affected: yes.
Comment: Not observed at significant frequency in large population cohorts (gnomAD); In silico analysis supports that this missense variant does not alter protein structure/function; Has not been previously published as pathogenic or benign to our knowledge